The following is an entry in ClinVar:

NM_001363711.2(DUOX2):c.2725C>T (p.Arg909Trp)

Gene: DUOX2 (dual oxidase 2; minus strand). Cytogenetic location: 15q21.1.
Variant type: single nucleotide variant.
Coding change: c.2725C>T on transcript NM_001363711.2 (MANE Select); coding-DNA position 2725, C replaced by T.
Protein change: p.Arg909Trp; replaces arginine 909 with tryptophan.
Molecular consequence: missense variant.
Genome position (GRCh38, 1-based): chr15:45,101,919, G>A on the plus strand (C>T on the coding strand, the complement: DUOX2 is on the minus strand). VCF-style: chr15-45101919-G-A. GRCh37 (hg19) VCF-style: chr15-45394117-G-A.
Other names: c.2725C>T, p.Arg909Trp (NM_014080.5); short protein forms R909W.
Identifiers: ClinVar variation 1200405 (VCV001200405.11), dbSNP rs150698607, ClinGen allele CA7538162.

ClinVar aggregate classification (germline): Conflicting classifications of pathogenicity. Review status: criteria provided, conflicting classifications (1 of 4 stars). 2 submissions from 2 submitters: Uncertain significance (1); Likely benign (1). Last evaluated 2025-08-14.

Allele frequency attached by ClinVar (database versions not stated): gnomAD exomes 0.00003 and 0.00006; ExAC 0.00006; ESP Exome Variant Server 0.00015; 1000 Genomes Project 30x 0.00016; 1000 Genomes Project 0.00020; gnomAD 0.00021 and 0.00024; TOPMed 0.00023.
gnomAD v4.1: 81 of 1,614,188 alleles (0.005%); highest among the groups gnomAD compares: African/African-American, 0.083%; no homozygotes.

Submissions (2):

Labcorp Genetics (formerly Invitae), Labcorp
Classification: Likely benign. Last evaluated: 2025-08-14. Review status: criteria provided, single submitter. Criteria: Invitae Variant Classification Sherloc (09022015). Collection method: clinical testing. Allele origin: germline.

GeneDx
Classification: Uncertain significance. Last evaluated: 2020-05-06. Review status: criteria provided, single submitter. Criteria: GeneDx Variant Classification Process June 2021. Collection method: clinical testing. Allele origin: germline. Affected: yes.
Comment: In silico analysis supports that this missense variant has a deleterious effect on protein structure/function; Has not been previously published as pathogenic or benign to our knowledge